The following is an entry in ClinVar:

NM_000059.4(BRCA2):c.3611C>T (p.Ala1204Val)

Gene: BRCA2 (BRCA2 DNA repair associated; plus strand). Cytogenetic location: 13q13.1.
Variant type: single nucleotide variant.
Coding change: c.3611C>T on transcript NM_000059.4 (MANE Select); coding-DNA position 3611, C replaced by T.
Protein change: p.Ala1204Val; replaces alanine 1204 with valine.
Molecular consequence: missense variant.
Genome position (GRCh38, 1-based): chr13:32,337,966, C>T. VCF-style: chr13-32337966-C-T. GRCh37 (hg19) VCF-style: chr13-32912103-C-T.
Other names: short protein forms A1204V.
Identifiers: ClinVar variation 570362 (VCV000570362.12), dbSNP rs1566228843, ClinGen allele CA387777547.

ClinVar aggregate classification (germline): Conflicting classifications of pathogenicity. Review status: criteria provided, conflicting classifications (1 of 4 stars). 3 submissions from 3 submitters: Uncertain significance (2); Likely benign (1). Last evaluated 2024-10-31.

Conditions:
Hereditary breast ovarian cancer syndrome. Also called: Hereditary breast and ovarian cancer syndrome; Breast and ovarian cancer; Hereditary breast and ovarian cancer; Hereditary breast and/or ovarian cancer syndrome; Hereditary breast and ovarian cancer syndrome (HBOC); BRCA1- and BRCA2-Associated Hereditary Breast and Ovarian Cancer. Identifiers: Orphanet 145, MedGen C0677776, MeSH D061325, MONDO:0003582. Disease mechanism: loss of function.
Hereditary cancer-predisposing syndrome. Also called: Hereditary neoplastic syndrome; Tumor predisposition; Neoplastic Syndromes, Hereditary; Hereditary Cancer Syndrome. Identifiers: Orphanet 140162, MedGen C0027672, MeSH D009386, MONDO:0015356.

Submissions (3):

Labcorp Genetics (formerly Invitae), Labcorp
Classification: Uncertain significance for Hereditary breast ovarian cancer syndrome. Last evaluated: 2024-10-31. Review status: criteria provided, single submitter. Criteria: Invitae Variant Classification Sherloc (09022015). Collection method: clinical testing. Allele origin: germline.
Comment: This sequence change replaces alanine, which is neutral and non-polar, with valine, which is neutral and non-polar, at codon 1204 of the BRCA2 protein (p.Ala1204Val). This variant is not present in population databases (gnomAD no frequency). This variant has not been reported in the literature in individuals affected with BRCA2-related conditions. ClinVar contains an entry for this variant (Variation ID: 570362). Invitae Evidence Modeling of protein sequence and biophysical properties (such as structural, functional, and spatial information, amino acid conservation, physicochemical variation, residue mobility, and thermodynamic stability) indicates that this missense variant is not expected to disrupt BRCA2 protein function with a negative predictive value of 95%. In summary, the available evidence is currently insufficient to determine the role of this variant in disease. Therefore, it has been classified as a Variant of Uncertain Significance.

University of Washington Department of Laboratory Medicine, University of Washington
Classification: Likely benign for Hereditary cancer-predisposing syndrome. Last evaluated: 2023-03-23. Review status: criteria provided, single submitter. Criteria: Dines et al. (Genet Med. 2020). Collection method: curation. Allele origin: germline.
Comment: Missense variant in a coldspot region where missense variants are very unlikely to be pathogenic (PMID:31911673).

BRCA2 exon 11 coldspot. Reclassification based on statistical prior probability.

Ambry Genetics
Classification: Uncertain significance for Hereditary cancer-predisposing syndrome. Last evaluated: 2022-01-18. Review status: criteria provided, single submitter. Criteria: Ambry Variant Classification Scheme 2023. Collection method: clinical testing. Allele origin: germline.
Comment: The p.A1204V variant (also known as c.3611C>T), located in coding exon 10 of the BRCA2 gene, results from a C to T substitution at nucleotide position 3611. The alanine at codon 1204 is replaced by valine, an amino acid with similar properties. This amino acid position is poorly conserved in available vertebrate species. In addition, this alteration is predicted to be tolerated by in silico analysis. Since supporting evidence is limited at this time, the clinical significance of this alteration remains unclear.